The following is an entry in ClinVar:

ClinVar aggregate classification (germline): Uncertain significance (1 of 4 stars; one submission).

Submission:

CeGaT Center for Human Genetics Tuebingen
Classification: Uncertain significance. Last evaluated: 2025-04-01. Review status: criteria provided, single submitter. Criteria: CeGaT Center For Human Genetics Tuebingen Variant Classification Criteria Version 2. Collection method: clinical testing. Allele origin: germline. Affected: yes. Observed: 1 variant allele.
Comment: FLNA: PM2

NM_001110556.2(FLNA):c.6697C>A (p.Leu2233Ile)

Gene: FLNA (filamin A; minus strand). Cytogenetic location: Xq28.
Variant type: single nucleotide variant.
Coding change: c.6697C>A on transcript NM_001110556.2 (MANE Select); coding-DNA position 6697, C replaced by A.
Protein change: p.Leu2233Ile; replaces leucine 2233 with isoleucine.
Molecular consequence: missense variant.
Genome position (GRCh38, 1-based): chrX:154,352,253, G>T on the plus strand (C>A on the coding strand, the complement: FLNA is on the minus strand). VCF-style: chrX-154352253-G-T. GRCh37 (hg19) VCF-style: chrX-153580621-G-T.
Other names: c.6673C>A, p.Leu2225Ile (NM_001456.4); short protein forms L2225I, L2233I.
Identifiers: ClinVar variation 3898620 (VCV003898620.7).